The following is an entry in ClinVar:

NM_004656.4(BAP1):c.438-9T>C

Gene: BAP1 (BRCA1 associated deubiquitinase 1; minus strand). Cytogenetic location: 3p21.1.
Variant type: single nucleotide variant.
Coding change: c.438-9T>C on transcript NM_004656.4 (MANE Select); 9 bases into the intron before coding-DNA position 438, T replaced by C.
Molecular consequence: intron variant.
Genome position (GRCh38, 1-based): chr3:52,407,325, A>G on the plus strand (T>C on the coding strand, the complement: BAP1 is on the minus strand). VCF-style: chr3-52407325-A-G. GRCh37 (hg19) VCF-style: chr3-52441341-A-G.
Other names: c.438-9T>C (NM_001410772.1).
Identifiers: ClinVar variation 4992830 (VCV004992830.1).

ClinVar aggregate classification (germline): Likely benign (1 of 4 stars; one submission).

Conditions:
BAP1-related disorder. Also called: BAP1-related condition.

Submission:

PreventionGenetics, part of Exact Sciences
Classification: Likely benign for BAP1-related condition. Last evaluated: 2026-01-09. Review status: criteria provided, single submitter. Criteria: ACMG Guidelines, 2015. Collection method: clinical testing. Allele origin: germline.
Comment: This variant is classified as likely benign based on ACMG/AMP sequence variant interpretation guidelines (Richards et al. 2015 PMID: 25741868, with internal and published modifications).